The following is an entry in ClinVar:

ClinVar aggregate classification (germline): Uncertain significance (1 of 4 stars; one submission).

gnomAD v4.1: 2 of 1,613,850 alleles (0.00012%); highest among the groups gnomAD compares: East Asian, 0.0022%; no homozygotes.

Submission:

Women's Health and Genetics/Laboratory Corporation of America, LabCorp
Classification: Uncertain significance. Last evaluated: 2025-11-03. Review status: criteria provided, single submitter. Criteria: LabCorp Variant Classification Summary - May 2015. Collection method: clinical testing. Allele origin: germline.
Comment: Variant summary: PSEN1 c.874A>G (p.Met292Val) results in a conservative amino acid change in the encoded protein sequence. Algorithms developed to predict the effect of missense changes on protein structure and function are either unavailable or do not agree on the potential impact of this missense change. The variant was absent in 251398 control chromosomes. The available data on variant occurrences in the general population are insufficient to allow any conclusion about variant significance. To our knowledge, no occurrence of c.874A>G in individuals affected with PSEN1-related conditions and no experimental evidence demonstrating its impact on protein function have been reported. No submitters have cited clinical-significance assessments for this variant to ClinVar. Based on the evidence outlined above, the variant was classified as uncertain significance.

NM_000021.4(PSEN1):c.874A>G (p.Met292Val)

Gene: PSEN1 (presenilin 1; plus strand). Cytogenetic location: 14q24.2.
Variant type: single nucleotide variant.
Coding change: c.874A>G on transcript NM_000021.4 (MANE Select); coding-DNA position 874, A replaced by G.
Protein change: p.Met292Val; replaces methionine 292 with valine.
Molecular consequence: missense variant.
Genome position (GRCh38, 1-based): chr14:73,206,391, A>G. VCF-style: chr14-73206391-A-G. GRCh37 (hg19) VCF-style: chr14-73673099-A-G.
Other names: c.862A>G, p.Met288Val (NM_007318.3); short protein forms M288V, M292V.
Identifiers: ClinVar variation 4537112 (VCV004537112.1).